The following is an entry in ClinVar:

NM_018417.6(ADCY10):c.4615C>T (p.Arg1539Trp)

Gene: ADCY10 (adenylate cyclase 10; minus strand). Cytogenetic location: 1q24.2.
Variant type: single nucleotide variant.
Coding change: c.4615C>T on transcript NM_018417.6 (MANE Select); coding-DNA position 4615, C replaced by T.
Protein change: p.Arg1539Trp; replaces arginine 1539 with tryptophan.
Molecular consequence: missense variant.
Genome position (GRCh38, 1-based): chr1:167,810,781, G>A on the plus strand (C>T on the coding strand, the complement: ADCY10 is on the minus strand). VCF-style: chr1-167810781-G-A. GRCh37 (hg19) VCF-style: chr1-167780018-G-A.
Other names: c.4156C>T, p.Arg1386Trp (NM_001167749.3); c.4339C>T, p.Arg1447Trp (NM_001297772.2); c.4615C>T (NM_018417.4); short protein forms R1447W, R1539W, R1386W.
Identifiers: ClinVar variation 2085287 (VCV002085287.5), dbSNP rs150827904, ClinGen allele CA1226977.

ClinVar aggregate classification (germline): Uncertain significance. Review status: criteria provided, multiple submitters, no conflicts (2 of 4 stars). 2 submissions from 2 submitters: Uncertain significance (2). Last evaluated 2025-08-09.

Allele frequency attached by ClinVar (database versions not stated): 1000 Genomes Project 0.00040; 1000 Genomes Project 30x 0.00062.
gnomAD v4.1: 85 of 1,614,154 alleles (0.0053%); highest among the groups gnomAD compares: African/African-American, 0.048%; no homozygotes.

Submissions (2):

Ambry Genetics
Classification: Uncertain significance. Last evaluated: 2025-08-09. Review status: criteria provided, single submitter. Criteria: Ambry Variant Classification Scheme 2023. Collection method: clinical testing. Allele origin: germline.

Labcorp Genetics (formerly Invitae), Labcorp
Classification: Uncertain significance. Last evaluated: 2022-06-17. Review status: criteria provided, single submitter. Criteria: Invitae Variant Classification Sherloc (09022015). Collection method: clinical testing. Allele origin: germline.
Comment: In summary, the available evidence is currently insufficient to determine the role of this variant in disease. Therefore, it has been classified as a Variant of Uncertain Significance. Algorithms developed to predict the effect of missense changes on protein structure and function are either unavailable or do not agree on the potential impact of this missense change (SIFT: "Deleterious"; PolyPhen-2: "Possibly Damaging"; Align-GVGD: "Class C0"). This variant has not been reported in the literature in individuals affected with ADCY10-related conditions. This variant is present in population databases (rs150827904, gnomAD 0.05%). This sequence change replaces arginine, which is basic and polar, with tryptophan, which is neutral and slightly polar, at codon 1539 of the ADCY10 protein (p.Arg1539Trp).